The following is an entry in ClinVar:

NM_013275.6(ANKRD11):c.2707C>T (p.Pro903Ser)

Gene: ANKRD11 (ankyrin repeat domain 11; minus strand). Cytogenetic location: 16q24.3.
Variant type: single nucleotide variant.
Coding change: c.2707C>T on transcript NM_013275.6 (MANE Select); coding-DNA position 2707, C replaced by T.
Protein change: p.Pro903Ser; replaces proline 903 with serine.
Molecular consequence: missense variant.
Genome position (GRCh38, 1-based): chr16:89,283,835, G>A on the plus strand (C>T on the coding strand, the complement: ANKRD11 is on the minus strand). VCF-style: chr16-89283835-G-A. GRCh37 (hg19) VCF-style: chr16-89350243-G-A.
Other names: c.2707C>T, p.Pro903Ser (NM_001256182.2, NM_001256183.2); short protein forms P903S.
Identifiers: ClinVar variation 650396 (VCV000650396.11), dbSNP rs764784295, ClinGen allele CA8242531.
Genomic context (GRCh38, chr16:89,283,835, plus strand): 5'-GCTCTTTCCTCTTCTCAGAGTTTTTATCCAAATAGTCCCTGTCCTTCTTTCGGAAGAAGG[G>A]CTCTCTGTAGTCTCGCTTCTCCCGGGCCCGGCTGTCCCGCCTCCTCTCCTTGCTGTCCTC-3'
Protein context (NP_037407.4, residues 893-913): RAREKRDYRE[Pro903Ser]FFRKKDRDYL

ClinVar aggregate classification (germline): Conflicting classifications of pathogenicity. Review status: criteria provided, conflicting classifications (1 of 4 stars). 2 submissions from 2 submitters: Uncertain significance (1); Likely benign (1). Last evaluated 2025-11-01.

Conditions:
KBG syndrome (KBGS). Also called: ANKRD11-Related KBG Syndrome. Identifiers: Orphanet 2332, MedGen C0220687, MONDO:0007846, OMIM 148050.

Allele frequency attached by ClinVar (database versions not stated): gnomAD exomes below 0.00001 and 0.00001; ExAC 0.00002; TOPMed 0.00004; gnomAD 0.00005.
gnomAD v4.1: 15 of 1,613,936 alleles (0.00093%); highest among the groups gnomAD compares: African/African-American, 0.013%; no homozygotes.

Submissions (2):

CeGaT Center for Human Genetics Tuebingen
Classification: Likely benign. Last evaluated: 2025-11-01. Review status: criteria provided, single submitter. Criteria: CeGaT Center For Human Genetics Tuebingen Variant Classification Criteria Version 2. Collection method: clinical testing. Allele origin: germline. Affected: yes. Observed: 1 variant allele.
Comment: ANKRD11: BP4

Labcorp Genetics (formerly Invitae), Labcorp
Classification: Uncertain significance for KBG syndrome. Last evaluated: 2025-05-27. Review status: criteria provided, single submitter. Criteria: Invitae Variant Classification Sherloc (09022015). Collection method: clinical testing. Allele origin: germline.
Comment: This sequence change replaces proline, which is neutral and non-polar, with serine, which is neutral and polar, at codon 903 of the ANKRD11 protein (p.Pro903Ser). This variant is present in population databases (rs764784295, gnomAD 0.01%). This variant has not been reported in the literature in individuals affected with ANKRD11-related conditions. ClinVar contains an entry for this variant (Variation ID: 650396). Invitae Evidence Modeling of protein sequence and biophysical properties (such as structural, functional, and spatial information, amino acid conservation, physicochemical variation, residue mobility, and thermodynamic stability) indicates that this missense variant is not expected to disrupt ANKRD11 protein function with a negative predictive value of 95%. In summary, the available evidence is currently insufficient to determine the role of this variant in disease. Therefore, it has been classified as a Variant of Uncertain Significance.